The following is an entry in ClinVar:

NM_001382391.1(CSPP1):c.2315G>A (p.Arg772Gln)

Gene: CSPP1 (centrosome and spindle pole associated protein 1; plus strand). Cytogenetic location: 8q13.2.
Variant type: single nucleotide variant.
Coding change: c.2315G>A on transcript NM_001382391.1 (MANE Select); coding-DNA position 2315, G replaced by A.
Protein change: p.Arg772Gln; replaces arginine 772 with glutamine.
Molecular consequence: missense variant.
Genome position (GRCh38, 1-based): chr8:67,158,520, G>A. VCF-style: chr8-67158520-G-A. GRCh37 (hg19) VCF-style: chr8-68070755-G-A.
Other names: c.1265G>A, p.Arg422Gln (NM_001291339.2); c.2234G>A, p.Arg745Gln (NM_001363131.2); c.2120G>A, p.Arg707Gln (NM_001363132.2); c.2039G>A, p.Arg680Gln (NM_001363133.2); c.2381G>A, p.Arg794Gln (NM_001364869.1); c.2201G>A, p.Arg734Gln (NM_001364870.1); c.2300G>A, p.Arg767Gln (NM_024790.7); short protein forms R680Q, R707Q, R794Q, R422Q, R767Q, R734Q, R745Q, R772Q.
Identifiers: ClinVar variation 2145192 (VCV002145192.3), dbSNP rs753543682, ClinGen allele CA4770804.

ClinVar aggregate classification (germline): Uncertain significance (1 of 4 stars; one submission).

Conditions:
Joubert syndrome 21 (JBTS21). Identifiers: MedGen C3810212, MONDO:0014288, OMIM 615636.

Allele frequency attached by ClinVar (database versions not stated): gnomAD exomes below 0.00001; ExAC 0.00001.
gnomAD v4.1: 5 of 1,612,718 alleles (0.00031%); highest among the groups gnomAD compares: South Asian, 0.0055%; no homozygotes.

Submission:

Labcorp Genetics (formerly Invitae), Labcorp
Classification: Uncertain significance for Joubert syndrome 21. Last evaluated: 2024-10-29. Review status: criteria provided, single submitter. Criteria: Invitae Variant Classification Sherloc (09022015). Collection method: clinical testing. Allele origin: germline.
Comment: This sequence change replaces arginine, which is basic and polar, with glutamine, which is neutral and polar, at codon 767 of the CSPP1 protein (p.Arg767Gln). This variant is present in population databases (rs753543682, gnomAD 0.01%). This variant has not been reported in the literature in individuals affected with CSPP1-related conditions. ClinVar contains an entry for this variant (Variation ID: 2145192). An algorithm developed to predict the effect of missense changes on protein structure and function (PolyPhen-2) suggests that this variant is likely to be disruptive. In summary, the available evidence is currently insufficient to determine the role of this variant in disease. Therefore, it has been classified as a Variant of Uncertain Significance.